The following is an entry in ClinVar:

ClinVar aggregate classification (germline): Pathogenic/Likely pathogenic. Review status: criteria provided, multiple submitters, no conflicts (2 of 4 stars). 3 submissions from 3 submitters: Pathogenic (2); Likely pathogenic (1). Last evaluated 2025-06-13.

Conditions:
Intellectual developmental disorder with microcephaly and with or without ocular malformations or hypogonadotropic hypogonadism. Also called: Coffin-Siris Syndrome 9; Intellectual disability, autosomal dominant 27. Identifiers: Orphanet 1465, MedGen C4014528, MONDO:0014376, OMIM 615866.

Submissions (3):

GeneDx
Classification: Pathogenic. Last evaluated: 2025-06-13. Review status: criteria provided, single submitter. Criteria: GeneDx Variant Classification Process June 2021. Collection method: clinical testing. Allele origin: germline. Affected: yes.
Comment: Not observed at significant frequency in large population cohorts (gnomAD); In silico analysis supports that this missense variant has a deleterious effect on protein structure/function; This variant is associated with the following publications: (PMID: 35341651, 38591849)

SIB Swiss Institute of Bioinformatics
Classification: Likely pathogenic for Intellectual developmental disorder with microcephaly and with or without ocular malformations or hypogonadotropic hypogonadism. Last evaluated: 2023-03-09. Review status: criteria provided, single submitter. Criteria: ACMG Guidelines, 2015. Collection method: curation. Allele origin: unknown.
Comment: This variant is interpreted as likely pathogenic for Intellectual developmental disorder with microcephaly and with or without ocular malformations or hypogonadotropic hypogonadism, autosomal dominant. The following ACMG Tag(s) were applied: Absent from controls (or at extremely low frequency if recessive) in Exome Sequencing Project, 1000 Genomes Project, or Exome Aggregation Consortium (PM2); Located in a mutational hot spot and/or critical and well-established functional domain (e.g., active site of an enzyme) without benign variation (PM1); Multiple lines of computational evidence support a deleterious effect on the gene or gene product (PP3); Assumed de novo, but no confirmation of paternity and maternity (PM6).

Mendelics
Classification: Pathogenic for Intellectual developmental disorder with microcephaly and with or without ocular malformations or hypogonadotropic hypogonadism. Last evaluated: 2022-05-04. Review status: criteria provided, single submitter. Criteria: Mendelics Assertion Criteria 2019. Collection method: clinical testing. Allele origin: germline.

Literature cited by the submitters: PubMed 35341651 (cited by SIB Swiss Institute of Bioinformatics).

NM_003108.4(SOX11):c.170T>C (p.Met57Thr)

Gene: SOX11 (SRY-box transcription factor 11; plus strand). Cytogenetic location: 2p25.2.
Variant type: single nucleotide variant.
Coding change: c.170T>C on transcript NM_003108.4 (MANE Select); coding-DNA position 170, T replaced by C.
Protein change: p.Met57Thr; replaces methionine 57 with threonine.
Molecular consequence: missense variant.
Genome position (GRCh38, 1-based): chr2:5,692,891, T>C. VCF-style: chr2-5692891-T-C. GRCh37 (hg19) VCF-style: chr2-5833023-T-C.
Other names: c.170T>C (NM_003108.3); short protein forms M57T.
Identifiers: ClinVar variation 1686222 (VCV001686222.4), dbSNP rs2103276340, ClinGen allele CA345866096.
Genomic context (GRCh38, chr2:5,692,891, plus strand): 5'-GCGACCCAGACTGGTGCAAGACGGCGTCGGGCCACATCAAGCGGCCGATGAACGCGTTCA[T>C]GGTATGGTCCAAGATCGAACGCAGGAAGATCATGGAGCAGTCTCCGGACATGCACAACGC-3'
Protein context (NP_003099.1, residues 47-67): GHIKRPMNAF[Met57Thr]VWSKIERRKI